The following is an entry in ClinVar:

NM_005609.4(PYGM):c.2204G>A (p.Arg735His)

Gene: PYGM (glycogen phosphorylase, muscle associated; minus strand). Cytogenetic location: 11q13.1.
Variant type: single nucleotide variant.
Coding change: c.2204G>A on transcript NM_005609.4 (MANE Select); coding-DNA position 2204, G replaced by A.
Protein change: p.Arg735His; replaces arginine 735 with histidine.
Molecular consequence: missense variant.
Genome position (GRCh38, 1-based): chr11:64,747,332, C>T on the plus strand (G>A on the coding strand, the complement: PYGM is on the minus strand). VCF-style: chr11-64747332-C-T. GRCh37 (hg19) VCF-style: chr11-64514804-C-T.
Other names: c.1940G>A, p.Arg647His (NM_001164716.1); short protein forms R647H, R735H.
Identifiers: ClinVar variation 992134 (VCV000992134.5), dbSNP rs760277933, ClinGen allele CA6079600.

ClinVar aggregate classification (germline): Uncertain significance. Review status: criteria provided, multiple submitters, no conflicts (2 of 4 stars). 3 submissions from 3 submitters: Uncertain significance (2). 1 of the submissions does not count toward it. Last evaluated 2024-03-07.

Conditions:
Glycogen storage disease, type V (GSD5). Also called: MCARDLE DISEASE; MUSCLE GLYCOGEN PHOSPHORYLASE DEFICIENCY; MYOPHOSPHORYLASE DEFICIENCY; PYGM DEFICIENCY; McArdle type glycogen storage disease. Identifiers: Orphanet 368, MedGen C0017924, MONDO:0009293, OMIM 232600.

Allele frequency attached by ClinVar (database versions not stated): gnomAD 0.00001; gnomAD exomes 0.00001; TOPMed 0.00001; ExAC 0.00002.
gnomAD v4.1: 14 of 1,614,082 alleles (0.00087%); highest among the groups gnomAD compares: South Asian, 0.0033%; no homozygotes.

Submissions (3):

Fulgent Genetics
Classification: Uncertain significance for Glycogen storage disease, type V. Last evaluated: 2024-03-07. Review status: criteria provided, single submitter. Criteria: ACMG Guidelines, 2015. Collection method: clinical testing. Allele origin: germline.

Labcorp Genetics (formerly Invitae), Labcorp
Classification: Uncertain significance for Glycogen storage disease, type V. Last evaluated: 2021-11-26. Review status: criteria provided, single submitter. Criteria: Invitae Variant Classification Sherloc (09022015). Collection method: clinical testing. Allele origin: germline.
Comment: This sequence change replaces arginine, which is basic and polar, with histidine, which is basic and polar, at codon 735 of the PYGM protein (p.Arg735His). This variant is present in population databases (rs760277933, gnomAD 0.006%). This variant has not been reported in the literature in individuals affected with PYGM-related conditions. ClinVar contains an entry for this variant (Variation ID: 992134). Algorithms developed to predict the effect of missense changes on protein structure and function are either unavailable or do not agree on the potential impact of this missense change (SIFT: "Not Available"; PolyPhen-2: "Benign"; Align-GVGD: "Not Available"). In summary, the available evidence is currently insufficient to determine the role of this variant in disease. Therefore, it has been classified as a Variant of Uncertain Significance.

Natera, Inc.
Classification: Uncertain significance for Glycogen storage disease V. Last evaluated: 2020-04-14. Review status: no assertion criteria provided. Collection method: clinical testing. Allele origin: germline. Not counted in ClinVar's aggregate classification.